The following is an entry in ClinVar:

ClinVar aggregate classification (germline): Benign/Likely benign. Review status: criteria provided, multiple submitters, no conflicts (2 of 4 stars). 3 submissions from 3 submitters: Benign (1); Likely benign (2). Last evaluated 2025-12-08.

Conditions:
Familial melanoma. Also called: Hereditary melanoma; Hereditary cutaneous melanoma. Identifiers: Orphanet 618, MedGen C1512419, MONDO:0018961.
Hereditary cancer-predisposing syndrome. Also called: Tumor predisposition; Neoplastic Syndromes, Hereditary; Hereditary neoplastic syndrome; Hereditary Cancer Syndrome. Identifiers: Orphanet 140162, MedGen C0027672, MeSH D009386, MONDO:0015356.
Melanoma, cutaneous malignant, susceptibility to, 3. Also called: Cutaneous malignant melanoma 3. Identifiers: Orphanet 618, MedGen C1836892, MONDO:0012183, OMIM 609048.

Allele frequency attached by ClinVar (database versions not stated): gnomAD exomes below 0.00001; ExAC 0.00001.
gnomAD v4.1: 10 of 1,614,090 alleles (0.00062%); highest among the groups gnomAD compares: East Asian, 0.0022%; no homozygotes.

Submissions (3):

Labcorp Genetics (formerly Invitae), Labcorp
Classification: Likely benign for Familial melanoma. Last evaluated: 2025-12-08. Review status: criteria provided, single submitter. Criteria: Invitae Variant Classification Sherloc (09022015). Collection method: clinical testing. Allele origin: germline.

Myriad Genetics, Inc.
Classification: Benign for Melanoma, cutaneous malignant, susceptibility to, 3. Last evaluated: 2024-09-25. Review status: criteria provided, single submitter. Criteria: Myriad Autosomal Dominant, Autosomal Recessive and X-Linked Classification Criteria (2023). Collection method: clinical testing. Allele origin: unknown.
Comment: This variant is considered benign. This variant is a silent/synonymous amino acid change and it is not expected to impact splicing.

Ambry Genetics
Classification: Likely benign for Hereditary cancer-predisposing syndrome. Last evaluated: 2019-08-08. Review status: criteria provided, single submitter. Criteria: Ambry Variant Classification Scheme 2023. Collection method: clinical testing. Allele origin: germline.

NM_000075.4(CDK4):c.342C>T (p.Ala114=)

Gene: CDK4 (cyclin dependent kinase 4; minus strand). Cytogenetic location: 12q14.1.
Variant type: single nucleotide variant.
Coding change: c.342C>T on transcript NM_000075.4 (MANE Select); coding-DNA position 342, C replaced by T.
Protein change: p.Ala114=; no amino-acid change (alanine 114 retained).
Molecular consequence: synonymous variant.
Genome position (GRCh38, 1-based): chr12:57,751,219, G>A on the plus strand (C>T on the coding strand, the complement: CDK4 is on the minus strand). VCF-style: chr12-57751219-G-A. GRCh37 (hg19) VCF-style: chr12-58145002-G-A.
Identifiers: ClinVar variation 414921 (VCV000414921.17), dbSNP rs762471901, ClinGen allele CA6657842.
Genomic context (GRCh38, chr12:57,751,219, plus strand): 5'-ACTACAAAGGTCCCAATCCACCTCTCAATGCCTACCAACCCCACTCACCTTGATCGTTTC[G>A]GCTGGCAAGCCTGGTGGGGGTGCCTTGTCCAGATATGTCCTTAGGTCCTGGTCTACATGC-3'
Protein context (NP_000066.1, residues 104-124): LDKAPPPGLP[Ala114=]ETIKDLMRQF